The following is an entry in ClinVar:

ClinVar aggregate classification (germline): Conflicting classifications of pathogenicity. Review status: criteria provided, conflicting classifications (1 of 4 stars). 3 submissions from 3 submitters: Likely pathogenic (2); Uncertain significance (1). Last evaluated 2026-07-26.

Conditions:
DiGeorge syndrome. Also called: Catch22; THIRD AND FOURTH PHARYNGEAL POUCH SYNDROME. Identifiers: Orphanet 567, MedGen C0012236, MONDO:0008564, OMIM 188400.
Tetralogy of Fallot (TOF). Identifiers: Orphanet 3303, MedGen C0039685, MONDO:0008542, OMIM 187500, HP:0001636.

Submissions (3):

Cancer Bioinformatics and Tumour Evolution Laboratory, Monash University
Classification: Likely pathogenic for DiGeorge syndrome. Last evaluated: 2026-07-26. Review status: criteria provided, single submitter. Criteria: ACMG Guidelines, 2015. Collection method: curation. Allele origin: germline. Inheritance: Autosomal dominant inheritance.
Comment: ACMG criteria applied: PS3, PM1, PM2_supporting, PM6_supporting, PP3 This missense change (also known as c.385G>A; p.(Glu129Lys)) replaces glutamic acid with lysine in exon 3 of 9 in TBX1. This variant is described on the TBX1C isoform, which has been reported to be the most biologically important TBX1 isoform in humans (PMID: 11748311). It corresponds to Glu138Lys on the MANE Select transcript. This missense change is located within the highly conserved T-box DNA-binding domain of TBX1, a critical functional region required for DNA binding and transcriptional regulation (PMID: 24998776) (PM1). This variant is extremely rare in population databases, with 1 allele and 0 homozygotes present in gnomAD v4.1.1 (PM2_supporting). Multiple in silico tools support a deleterious effect, including REVEL score 0.98 and AlphaMissense score 0.9999 (PP3). No impact on splicing is predicted (SpliceAI scores 0.00). TBX1 Glu129Lys has been reported in literature as a de novo heterozygous variant in a single patient with isolated conotruncal heart defects without a 22q11.2 deletion (PMID: 24998776) (PM6_supporting). The same paper performed in vitro transfection and luciferase reporter assays on cells expressing TBX1 Glu129Lys, which showed that the altered protein had significantly reduced ability to activate transcription of TBX1-responsive reporter genes (PS3). Molecular modelling also suggested that the missense substitution may impair TBX1-DNA interaction (PMID: 24998776). TBX1 encodes T-box transcription factor 1, a highly important developmental transcription factor involved in embryogenesis and regulation of pharyngeal apparatus development. Pathogenic variants in TBX1 are typically associated with an autosomal dominant developmental disorder with features consistent with DiGeorge syndrome (PMID: 17273972). Based on the available evidence, this variant meets ACMG/AMP criteria PS3, PM1, PM2_supporting, PM6_supporting, and PP3, with PS3 and PM6_supporting applied inaccordance with ClinGen Sequence Variant Interpretation (SVI) recommendations. Therefore,this variant is classified as Likely Pathogenic for TBX1-related DiGeorge syndrome.

Labcorp Genetics (formerly Invitae), Labcorp
Classification: Uncertain significance for DiGeorge syndrome. Last evaluated: 2018-08-14. Review status: criteria provided, single submitter. Criteria: Invitae Variant Classification Sherloc (09022015). Collection method: clinical testing. Allele origin: germline.
Comment: In summary, the available evidence is currently insufficient to determine the role of this variant in disease. Therefore, it has been classified as a Variant of Uncertain Significance. Experimental studies have shown that this missense change results in significantly reduced transcriptional activity compared to wild type TBX1 protein (PMID: 24998776, 28272434). This variant has been observed to segregate with a TBX1-related disease in one family (Invitae). ClinVar contains an entry for this variant (Variation ID: 488618). This variant is not present in population databases (ExAC no frequency). This sequence change replaces glutamic acid with lysine at codon 129 of the TBX1 protein (p.Glu129Lys). The glutamic acid residue is highly conserved and there is a small physicochemical difference between glutamic acid and lysine.

Institute of Human Genetics Munich, TUM University Hospital
Classification: Likely pathogenic for Tetralogy of Fallot. Last evaluated: 2017-12-13. Review status: criteria provided, single submitter. Criteria: Classification criteria August 2017. Collection method: clinical testing. Allele origin: maternal, germline. Inheritance: Autosomal dominant inheritance. Affected: yes. Observed: 2 heterozygotes.

Literature cited by the submitters: PubMed 11748311 (cited by Cancer Bioinformatics and Tumour Evolution Laboratory, Monash University); PubMed 24998776 (cited by Cancer Bioinformatics and Tumour Evolution Laboratory, Monash University and Labcorp Genetics (formerly Invitae), Labcorp); PubMed 17273972 (cited by Cancer Bioinformatics and Tumour Evolution Laboratory, Monash University); PubMed 28272434 (cited by Labcorp Genetics (formerly Invitae), Labcorp).

NM_001379200.1(TBX1):c.412G>A (p.Glu138Lys)

Gene: TBX1 (T-box transcription factor 1; plus strand). Cytogenetic location: 22q11.21.
Variant type: single nucleotide variant.
Coding change: c.412G>A on transcript NM_001379200.1 (MANE Select); coding-DNA position 412, G replaced by A.
Protein change: p.Glu138Lys; replaces glutamic acid 138 with lysine.
Molecular consequence: missense variant.
Genome position (GRCh38, 1-based): chr22:19,761,255, G>A. VCF-style: chr22-19761255-G-A. GRCh37 (hg19) VCF-style: chr22-19748778-G-A.
Other names: c.385G>A, p.Glu129Lys (NM_005992.1, NM_080646.2, NM_080647.1); short protein forms E129K, E138K.
Identifiers: ClinVar variation 488618 (VCV000488618.12), dbSNP rs1445910672, ClinGen allele CA410681809.